The following is an entry in ClinVar:

ClinVar aggregate classification (germline): Uncertain significance (1 of 4 stars; one submission).

Conditions:
Congenital myopathy with internal nuclei and atypical cores. Also called: Myopathy, centronuclear, 4. Identifiers: Orphanet 319160, MedGen C4707232, MONDO:0013890, OMIM 614807.

Submission:

Labcorp Genetics (formerly Invitae), Labcorp
Classification: Uncertain significance for Congenital myopathy with internal nuclei and atypical cores. Last evaluated: 2026-01-21. Review status: criteria provided, single submitter. Criteria: Invitae Variant Classification Sherloc (09022015). Collection method: clinical testing. Allele origin: germline.
Comment: This variant, c.571_582del, results in the deletion of 4 amino acid(s) of the CCDC78 protein (p.Gly191_Leu194del), but otherwise preserves the integrity of the reading frame. This variant is not present in population databases (gnomAD no frequency). This variant has not been reported in the literature in individuals affected with CCDC78-related conditions. ClinVar contains an entry for this variant (Variation ID: 1057263). In summary, the available evidence is currently insufficient to determine the role of this variant in disease. Therefore, it has been classified as a Variant of Uncertain Significance.

NM_001378030.1(CCDC78):c.571_582del (p.Gly191_Leu194del)

Gene: CCDC78 (coiled-coil domain containing 78; minus strand). Cytogenetic location: 16p13.3.
Variant type: Deletion.
Coding change: c.571_582del on transcript NM_001378030.1 (MANE Select); coding-DNA positions 571 to 582, 12 bases deleted (GGCCGGCAGCTG).
Protein change: p.Gly191_Leu194del.
Molecular consequence: inframe deletion. On other transcripts: non-coding transcript variant (5), intron variant (1).
Genome position (GRCh38, 1-based): chr16:724,968-724,979, CAGCTGCCGGCC deleted on the plus strand (GGCCGGCAGCTG on the coding strand, the reverse complement: CCDC78 is on the minus strand); deleting any 12 consecutive bases within chr16:724,968-724,982 gives the same sequence; the c. name uses the placement nearest the transcript's 3' end. VCF-style (leftmost placement, unchanged base first): chr16-724967-GCAGCTGCCGGCC-G. GRCh37 (hg19) VCF-style: chr16-774967-GCAGCTGCCGGCC-G.
Other names: c.571_582del, p.Gly191_Leu194del (NM_001031737.3, NM_001378031.1); c.198+99_198+110del (NM_001378033.1).
Identifiers: ClinVar variation 1057263 (VCV001057263.9), dbSNP rs1035417733, ClinGen allele CA276520025.